The following is an entry in ClinVar:

ClinVar aggregate classification (germline): Uncertain significance. Review status: criteria provided, multiple submitters, no conflicts (2 of 4 stars). 2 submissions from 2 submitters: Uncertain significance (2). Last evaluated 2024-07-09.

Conditions:
Inborn genetic diseases. Identifiers: MedGen C0950123, MeSH D030342.
Developmental and epileptic encephalopathy, 23 (DEE23). Also called: Epileptic encephalopathy, early infantile, 23. Identifiers: Orphanet 411986, MedGen C4014492, MONDO:0014371, OMIM 615859.

Allele frequency attached by ClinVar (database versions not stated): ExAC 0.00001; gnomAD exomes 0.00001.
gnomAD v4.1: 6 of 1,613,552 alleles (0.00037%); highest among the groups gnomAD compares: African/African-American, 0.0013%; no homozygotes.

Submissions (2):

Ambry Genetics
Classification: Uncertain significance for Inborn genetic diseases. Last evaluated: 2024-07-09. Review status: criteria provided, single submitter. Criteria: Ambry Variant Classification Scheme 2023. Collection method: clinical testing. Allele origin: germline.

Labcorp Genetics (formerly Invitae), Labcorp
Classification: Uncertain significance for Developmental and epileptic encephalopathy, 23. Last evaluated: 2022-07-06. Review status: criteria provided, single submitter. Criteria: Invitae Variant Classification Sherloc (09022015). Collection method: clinical testing. Allele origin: germline.
Comment: In summary, the available evidence is currently insufficient to determine the role of this variant in disease. Therefore, it has been classified as a Variant of Uncertain Significance. Algorithms developed to predict the effect of missense changes on protein structure and function (SIFT, PolyPhen-2, Align-GVGD) all suggest that this variant is likely to be tolerated. ClinVar contains an entry for this variant (Variation ID: 1054928). This variant has not been reported in the literature in individuals affected with DOCK7-related conditions. This variant is present in population databases (rs755928702, gnomAD 0.0009%). This sequence change replaces serine, which is neutral and polar, with leucine, which is neutral and non-polar, at codon 1297 of the DOCK7 protein (p.Ser1297Leu).

NM_001367561.1(DOCK7):c.3890C>T (p.Ser1297Leu)

Gene: DOCK7 (dedicator of cytokinesis 7; minus strand). Cytogenetic location: 1p31.3.
Variant type: single nucleotide variant.
Coding change: c.3890C>T on transcript NM_001367561.1 (MANE Select); coding-DNA position 3890, C replaced by T.
Protein change: p.Ser1297Leu; replaces serine 1297 with leucine.
Molecular consequence: missense variant.
Genome position (GRCh38, 1-based): chr1:62,528,197, G>A on the plus strand (C>T on the coding strand, the complement: DOCK7 is on the minus strand). VCF-style: chr1-62528197-G-A. GRCh37 (hg19) VCF-style: chr1-62993868-G-A.
Other names: c.3797C>T (NM_033407.2); c.3890C>T, p.Ser1297Leu (NM_001271999.2, NM_001330614.2); c.3797C>T, p.Ser1266Leu (NM_001272000.2, NM_001272001.2, NM_033407.4); short protein forms S1266L, S1297L.
Identifiers: ClinVar variation 1054928 (VCV001054928.8), dbSNP rs755928702, ClinGen allele CA885856.